The following is an entry in ClinVar:

NM_025137.4(SPG11):c.2896C>T (p.Arg966Cys)

Gene: SPG11 (SPG11 vesicle trafficking associated, spatacsin; minus strand). Cytogenetic location: 15q21.1.
Variant type: single nucleotide variant.
Coding change: c.2896C>T on transcript NM_025137.4 (MANE Select); coding-DNA position 2896, C replaced by T.
Protein change: p.Arg966Cys; replaces arginine 966 with cysteine.
Molecular consequence: missense variant.
Genome position (GRCh38, 1-based): chr15:44,615,505, G>A on the plus strand (C>T on the coding strand, the complement: SPG11 is on the minus strand). VCF-style: chr15-44615505-G-A. GRCh37 (hg19) VCF-style: chr15-44907703-G-A.
Other names: c.2896C>T, p.Arg966Cys (NM_001160227.2, NM_001411132.1); short protein forms R966C.
Identifiers: ClinVar variation 4173541 (VCV004173541.2).

ClinVar aggregate classification (germline): Uncertain significance. Review status: criteria provided, multiple submitters, no conflicts (2 of 4 stars). 2 submissions from 2 submitters: Uncertain significance (2). Last evaluated 2025-06-20.

Conditions:
Hereditary spastic paraplegia 11. Also called: Nakamura Osame syndrome; Autosomal recessive hereditary spastic paraplegia, mental impairment, and thin corpus callosum; Spastic paraplegia, mental retardation and thin corpus callosum; Spastic Paraplegia 11; SPASTIC PARAPLEGIA, AUTOSOMAL RECESSIVE, COMPLICATED, WITH THIN CORPUS CALLOSUM; SPASTIC PARAPLEGIA, AUTOSOMAL RECESSIVE, WITH MENTAL IMPAIRMENT AND THIN CORPUS CALLOSUM. Identifiers: Orphanet 2822, MedGen C1858479, MONDO:0011445, OMIM 604360.
Inborn genetic diseases. Identifiers: MedGen C0950123, MeSH D030342.

gnomAD v4.1: 8 of 1,613,980 alleles (0.0005%); highest among the groups gnomAD compares: African/African-American, 0.0027%; no homozygotes.

Submissions (2):

Labcorp Genetics (formerly Invitae), Labcorp
Classification: Uncertain significance for Hereditary spastic paraplegia 11. Last evaluated: 2025-06-20. Review status: criteria provided, single submitter. Criteria: Invitae Variant Classification Sherloc (09022015). Collection method: clinical testing. Allele origin: germline.
Comment: This sequence change replaces arginine, which is basic and polar, with cysteine, which is neutral and slightly polar, at codon 966 of the SPG11 protein (p.Arg966Cys). This variant is present in population databases (rs771538317, gnomAD 0.003%). This variant has not been reported in the literature in individuals affected with SPG11-related conditions. Invitae Evidence Modeling of protein sequence and biophysical properties (such as structural, functional, and spatial information, amino acid conservation, physicochemical variation, residue mobility, and thermodynamic stability) indicates that this missense variant is not expected to disrupt SPG11 protein function with a negative predictive value of 80%. In summary, the available evidence is currently insufficient to determine the role of this variant in disease. Therefore, it has been classified as a Variant of Uncertain Significance.

Ambry Genetics
Classification: Uncertain significance for Inborn genetic diseases. Last evaluated: 2025-06-19. Review status: criteria provided, single submitter. Criteria: Ambry Variant Classification Scheme 2023. Collection method: clinical testing. Allele origin: germline.